The following is an entry in ClinVar:

NM_000310.4(PPT1):c.236A>G (p.Asp79Gly)

Gene: PPT1 (palmitoyl-protein thioesterase 1; minus strand). Cytogenetic location: 1p34.2.
Variant type: single nucleotide variant.
Coding change: c.236A>G on transcript NM_000310.4 (MANE Select); coding-DNA position 236, A replaced by G.
Protein change: p.Asp79Gly; replaces aspartic acid 79 with glycine.
Molecular consequence: missense variant. On other transcripts: intron variant (1).
Genome position (GRCh38, 1-based): chr1:40,092,171, T>C on the plus strand (A>G on the coding strand, the complement: PPT1 is on the minus strand). VCF-style: chr1-40092171-T-C. GRCh37 (hg19) VCF-style: chr1-40557843-T-C.
Other names: c.236A>G, p.Asp79Gly (NM_001363695.2); c.125-2659A>G (NM_001142604.2); short protein forms D79G.
Identifiers: ClinVar variation 8901 (VCV000008901.9), dbSNP rs137852697, ClinGen allele CA254579.

ClinVar aggregate classification (germline): Pathogenic/Likely pathogenic. Review status: criteria provided, multiple submitters, no conflicts (2 of 4 stars). 4 submissions from 4 submitters: Pathogenic (1); Likely pathogenic (2). 1 of the submissions does not count toward it. Last evaluated 2024-06-13.

Conditions:
Neuronal ceroid lipofuscinosis 1 (CLN1). Also called: CEROID LIPOFUSCINOSIS, NEURONAL, 1, VARIABLE AGE AT ONSET; PPT1-Related Neuronal Ceroid-Lipofuscinosis. Identifiers: Orphanet 228329, MedGen C1850451, MONDO:0009744, OMIM 256730.

Allele frequency attached by ClinVar (database versions not stated): gnomAD exomes below 0.00001; ExAC 0.00001.
gnomAD v4.1: 4 of 1,614,134 alleles (0.00025%); highest among the groups gnomAD compares: Non-Finnish European, 0.00034%; no homozygotes.

Submissions (4):

Natera, Inc.
Classification: Likely pathogenic for Neuronal ceroid lipofuscinosis 1. Last evaluated: 2024-06-13. Review status: criteria provided, single submitter. Criteria: Natera Variant Classification Schema (03/2026). Collection method: clinical testing. Allele origin: germline.
Comment: The c.236A>G variant in PPT1 is a missense variant predicted to cause substitution of aspartic acid to glycine at amino acid 79. This variant is rare in the general population with a frequency below the threshold expected for the associated phenotype(s). This variant has been observed in one or more individuals affected with the associated recessive disease, as either homozygous or compound heterozygous with a second variant (PMID: 9425237). Functional studies show that this variant may disrupt protein function (PMID: 11440996). Computational prediction algorithms indicate this variant is likely to affect gene or protein function. Given the available evidence, this variant is classified as Likely Pathogenic.

Labcorp Genetics (formerly Invitae), Labcorp
Classification: Likely pathogenic for Neuronal ceroid lipofuscinosis 1. Last evaluated: 2023-08-14. Review status: criteria provided, single submitter. Criteria: Invitae Variant Classification Sherloc (09022015). Collection method: clinical testing. Allele origin: germline.
Comment: This sequence change replaces aspartic acid, which is acidic and polar, with glycine, which is neutral and non-polar, at codon 79 of the PPT1 protein (p.Asp79Gly). This variant is present in population databases (rs137852697, gnomAD 0.0009%). This missense change has been observed in individual(s) with neuronal ceroid lipofuscinosis (PMID: 9425237). In at least one individual the data is consistent with being in trans (on the opposite chromosome) from a pathogenic variant. ClinVar contains an entry for this variant (Variation ID: 8901). An algorithm developed to predict the effect of missense changes on protein structure and function (PolyPhen-2) suggests that this variant is likely to be disruptive. Experimental studies have shown that this missense change affects PPT1 function (PMID: 10191107, 11440996). RNA analysis performed to evaluate the impact of this missense change on mRNA splicing indicates it does not significantly alter splicing (PMID: 9425237). In summary, the currently available evidence indicates that the variant is pathogenic, but additional data are needed to prove that conclusively. Therefore, this variant has been classified as Likely Pathogenic.

GeneDx
Classification: Pathogenic. Last evaluated: 2021-07-01. Review status: criteria provided, single submitter. Criteria: GeneDx Variant Classification Process June 2021. Collection method: clinical testing. Allele origin: germline. Affected: yes.
Comment: Published functional studies demonstrate a damaging effect as palmitoyl-CoA hydrolase activity is reduced by ~90% as compared to wild type (Bellizzi et al., 2000); Not observed at a significant frequency in large population cohorts (Lek et al., 2016); This variant is associated with the following publications: (PMID: 9425237, 10781062, 27535533, 21228398, 9664077, 11440996, 29576218)

OMIM
Classification: Pathogenic for CEROID LIPOFUSCINOSIS, NEURONAL, 1. Last evaluated: 1998-02-01. Review status: no assertion criteria provided. Collection method: literature only. Allele origin: germline. Not counted in ClinVar's aggregate classification.

Literature cited by the submitters: PubMed 9425237 (cited by 3 submitters); PubMed 11440996 (cited by Natera, Inc. and Labcorp Genetics (formerly Invitae), Labcorp); PubMed 10191107 (cited by Labcorp Genetics (formerly Invitae), Labcorp).